The following is an entry in ClinVar:

NM_001040108.2(MLH3):c.2656_2657del (p.Glu886fs)

Gene: MLH3 (mutL homolog 3; minus strand). Cytogenetic location: 14q24.3.
Variant type: Microsatellite.
Coding change: c.2656_2657del on transcript NM_001040108.2 (MANE Select); coding-DNA positions 2656 to 2657, 2 bases deleted (GA; older notation c.2656_2657delGA).
Protein change: p.Glu886fs; shifts the reading frame from glutamic acid 886.
Molecular consequence: frameshift variant.
Genome position (GRCh38, 1-based): chr14:75,046,999-75,047,000, TC deleted on the plus strand (GA on the coding strand, the reverse complement: MLH3 is on the minus strand); deleting any 2 consecutive bases within chr14:75,046,999-75,047,003 gives the same sequence; the c. name uses the placement nearest the transcript's 3' end. VCF-style (leftmost placement, unchanged base first): chr14-75046998-TTC-T. GRCh37 (hg19) VCF-style: chr14-75513701-TTC-T.
Other names: c.2653_2654AG[1], p.Glu886Asnfs (NM_001040108.1); c.2656_2657del, p.Glu886fs (NM_014381.3); c.2656_2657delGA (NM_001040108.1); short protein forms E886fs.
Identifiers: ClinVar variation 1794373 (VCV001794373.4), dbSNP rs747672055, ClinGen allele CA7275663.

ClinVar aggregate classification (germline): Pathogenic (1 of 4 stars; one submission).

Submission:

Ambry Genetics
Classification: Pathogenic. Last evaluated: 2026-06-03. Review status: criteria provided, single submitter. Criteria: Ambry Variant Classification Scheme 2023. Collection method: clinical testing. Allele origin: germline.
Comment: The c.2656_2657delGA pathogenic mutation, located in coding exon 1 of the MLH3 gene, results from a deletion of two nucleotides at nucleotide positions 2656 to 2657, causing a translational frameshift with a predicted alternate stop codon (p.E886Nfs*11). This variant is considered to be rare based on population cohorts in the Genome Aggregation Database (gnomAD). This alteration is expected to result in loss of function by premature protein truncation or nonsense-mediated mRNA decay. As such, this alteration is interpreted as a disease-causing mutation.